The following is an entry in ClinVar:

NM_001927.4(DES):c.1090C>T (p.Gln364Ter)

Gene: DES (desmin; plus strand). Cytogenetic location: 2q35.
Variant type: single nucleotide variant.
Coding change: c.1090C>T on transcript NM_001927.4 (MANE Select); coding-DNA position 1090, C replaced by T.
Protein change: p.Gln364Ter; replaces glutamine 364 with a stop codon.
Molecular consequence: nonsense. On other transcripts: intron variant (2).
Genome position (GRCh38, 1-based): chr2:219,421,406, C>T. VCF-style: chr2-219421406-C-T. GRCh37 (hg19) VCF-style: chr2-220286128-C-T.
Other names: c.1087C>T, p.Gln363Ter (NM_001382708.1); c.1069C>T, p.Gln357Ter (NM_001382711.1); c.1090C>T, p.Gln364Ter (NM_001382712.1); c.820C>T, p.Gln274Ter (NM_001382713.1); c.1024-3C>T (NM_001382710.1); c.736-78C>T (NM_001382709.1); short protein forms Q363*, Q357*, Q364*, Q274*.
Identifiers: ClinVar variation 1453987 (VCV001453987.6), dbSNP rs1224165687, ClinGen allele CA350694122.

ClinVar aggregate classification (germline): Pathogenic (1 of 4 stars; one submission).

Conditions:
Desmin-related myofibrillar myopathy (MFM1). Also called: DESMIN-RELATED MYOPATHY WITH ARRHYTHMOGENIC RIGHT VENTRICULAR CARDIOMYOPATHY; Myofibrillar myopathy 1; MYOFIBRILLAR MYOPATHY WITH ARRHYTHMOGENIC RIGHT VENTRICULAR CARDIOMYOPATHY; Desminopathy; Desmin related myopathy (former name); Desmin storage myopathy (former name). Identifiers: Orphanet 363543, Orphanet 98909, MedGen C1832370, MONDO:0011076, OMIM 601419.

Submission:

Labcorp Genetics (formerly Invitae), Labcorp
Classification: Pathogenic for Desmin-related myofibrillar myopathy. Last evaluated: 2021-10-05. Review status: criteria provided, single submitter. Criteria: Invitae Variant Classification Sherloc (09022015). Collection method: clinical testing. Allele origin: germline.
Comment: For these reasons, this variant has been classified as Pathogenic. This variant has not been reported in the literature in individuals affected with DES-related conditions. This variant is not present in population databases (ExAC no frequency). This sequence change creates a premature translational stop signal (p.Gln364*) in the DES gene. It is expected to result in an absent or disrupted protein product. Loss-of-function variants in DES are known to be pathogenic (PMID: 23575897).

Literature cited by the submitters: PubMed 23575897.